The following is an entry in ClinVar:

ClinVar aggregate classification (germline): Likely benign (1 of 4 stars; one submission).

Submission:

CeGaT Center for Human Genetics Tuebingen
Classification: Likely benign. Last evaluated: 2024-02-01. Review status: criteria provided, single submitter. Criteria: CeGaT Center For Human Genetics Tuebingen Variant Classification Criteria Version 2. Collection method: clinical testing. Allele origin: germline. Affected: yes. Observed: 1 variant allele.
Comment: KCNQ3: PM2:Supporting, BP4, BP7

NM_004519.4(KCNQ3):c.1515C>T (p.Asp505=)

Gene: KCNQ3 (potassium voltage-gated channel subfamily Q member 3; minus strand). Cytogenetic location: 8q24.22.
Variant type: single nucleotide variant.
Coding change: c.1515C>T on transcript NM_004519.4 (MANE Select); coding-DNA position 1515, C replaced by T.
Protein change: p.Asp505=; no amino-acid change (aspartic acid 505 retained).
Molecular consequence: synonymous variant.
Genome position (GRCh38, 1-based): chr8:132,140,129, G>A on the plus strand (C>T on the coding strand, the complement: KCNQ3 is on the minus strand). VCF-style: chr8-132140129-G-A. GRCh37 (hg19) VCF-style: chr8-133152376-G-A.
Other names: c.1155C>T, p.Asp385= (NM_001204824.2).
Identifiers: ClinVar variation 3027280 (VCV003027280.22), dbSNP rs2536879363, ClinGen allele CA463004558.